The following is an entry in ClinVar:

ClinVar aggregate classification (germline): Likely benign. Review status: criteria provided, multiple submitters, no conflicts (2 of 4 stars). 2 submissions from 2 submitters: Likely benign (2). Last evaluated 2024-02-19.

Conditions:
Benign neonatal seizures. Also called: Benign familial neonatal epilepsy; Convulsions benign familial neonatal dominant form; Autosomal dominant form of benign neonatal seizures; Benign familial neonatal seizures; Benign neonatal familial convulsions. Identifiers: Orphanet 1949, MedGen C0220669, MONDO:0016027.

Allele frequency attached by ClinVar (database versions not stated): ExAC 0.00001; gnomAD exomes 0.00002; TOPMed 0.00002.
gnomAD v4.1: 37 of 1,608,318 alleles (0.0023%); highest among the groups gnomAD compares: Non-Finnish European, 0.0029%; no homozygotes.

Submissions (2):

Labcorp Genetics (formerly Invitae), Labcorp
Classification: Likely benign for Benign neonatal seizures. Last evaluated: 2024-02-19. Review status: criteria provided, single submitter. Criteria: Invitae Variant Classification Sherloc (09022015). Collection method: clinical testing. Allele origin: germline.

GeneDx
Classification: Likely benign. Last evaluated: 2018-02-16. Review status: criteria provided, single submitter. Criteria: GeneDx Variant Classification (06012015). Collection method: clinical testing. Allele origin: germline. Affected: yes.
Comment: This variant is considered likely benign or benign based on one or more of the following criteria: it is a conservative change, it occurs at a poorly conserved position in the protein, it is predicted to be benign by multiple in silico algorithms, and/or has population frequency not consistent with disease.

NM_004519.4(KCNQ3):c.386+15G>T

Gene: KCNQ3 (potassium voltage-gated channel subfamily Q member 3; minus strand). Cytogenetic location: 8q24.22.
Variant type: single nucleotide variant.
Coding change: c.386+15G>T on transcript NM_004519.4 (MANE Select); 15 bases into the intron after coding-DNA position 386, G replaced by T.
Molecular consequence: intron variant.
Genome position (GRCh38, 1-based): chr8:132,480,132, C>A on the plus strand (G>T on the coding strand, the complement: KCNQ3 is on the minus strand). VCF-style: chr8-132480132-C-A. GRCh37 (hg19) VCF-style: chr8-133492379-C-A.
Identifiers: ClinVar variation 516132 (VCV000516132.8), dbSNP rs778486411, ClinGen allele CA4880968.
Genomic context (GRCh38, chr8:132,480,132, plus strand): 5'-TTCTCAGCTCCAGCCCCGACCCCAAGTCCCCAAGCGCGCCGCCGCCGAGGGCGCCCCGAG[C>A]GGCCGGGTACTCACACCAACGCGTGGTAAAGCAGCGCCCAGCCCCGCGGTCTCTCCAGGG-3'